The following is an entry in ClinVar:

NM_005562.3(LAMC2):c.3354G>A (p.Glu1118=)

Gene: LAMC2 (laminin subunit gamma 2; plus strand). Cytogenetic location: 1q25.3.
Variant type: single nucleotide variant.
Coding change: c.3354G>A on transcript NM_005562.3 (MANE Select); coding-DNA position 3354, G replaced by A.
Protein change: p.Glu1118=; no amino-acid change (glutamic acid 1118 retained).
Molecular consequence: synonymous variant.
Genome position (GRCh38, 1-based): chr1:183,243,172, G>A. VCF-style: chr1-183243172-G-A. GRCh37 (hg19) VCF-style: chr1-183212307-G-A.
Identifiers: ClinVar variation 725447 (VCV000725447.39), dbSNP rs149718832, ClinGen allele CA1283242.

ClinVar aggregate classification (germline): Conflicting classifications of pathogenicity. Review status: criteria provided, conflicting classifications (1 of 4 stars). 4 submissions from 4 submitters: Uncertain significance (1); Benign (1); Likely benign (2). Last evaluated 2026-03-01.

Conditions:
Junctional epidermolysis bullosa. Identifiers: Orphanet 305, MedGen C0079301, MONDO:0017612.

Allele frequency attached by ClinVar (database versions not stated): 1000 Genomes Project 30x 0.00016; 1000 Genomes Project 0.00020; ESP Exome Variant Server 0.00038; TOPMed 0.00039; gnomAD exomes 0.00043 and 0.00064; ExAC 0.00056; gnomAD 0.00076 and 0.00081.

Submissions (4):

CeGaT Center for Human Genetics Tuebingen
Classification: Likely benign. Last evaluated: 2026-03-01. Review status: criteria provided, single submitter. Criteria: CeGaT Center For Human Genetics Tuebingen Variant Classification Criteria Version 2. Collection method: clinical testing. Allele origin: germline. Affected: yes. Observed: 2 variant alleles.
Comment: LAMC2: BP4, BP7

Labcorp Genetics (formerly Invitae), Labcorp
Classification: Benign. Last evaluated: 2026-01-28. Review status: criteria provided, single submitter. Criteria: Invitae Variant Classification Sherloc (09022015). Collection method: clinical testing. Allele origin: germline.

Blueprint Genetics
Classification: Likely benign. Last evaluated: 2024-11-21. Review status: criteria provided, single submitter. Criteria: ACMG Guidelines, 2015. Collection method: clinical testing. Allele origin: germline.

Illumina Laboratory Services, Illumina
Classification: Uncertain significance for Junctional epidermolysis bullosa. Last evaluated: 2018-01-13. Review status: criteria provided, single submitter. Criteria: ICSL Variant Classification Criteria 13 December 2019. Collection method: clinical testing. Allele origin: germline.